The following is an entry in ClinVar:

ClinVar aggregate classification (germline): Benign/Likely benign. Review status: criteria provided, multiple submitters, no conflicts (2 of 4 stars). 9 submissions from 9 submitters: Benign (6); Likely benign (3). Last evaluated 2026-05-01.

Conditions:
Nicolaides-Baraitser syndrome (NCBRS). Also called: Intellectual disability-sparse hair-brachydactyly syndrome; SMARCA2-Related Nicolaides-Baraitser Syndrome. Identifiers: Orphanet 3051, MedGen C1303073, MONDO:0011053, OMIM 601358.
Blepharophimosis-impaired intellectual development syndrome. Identifiers: Orphanet 637013, MedGen C5443984, MONDO:0859139, OMIM 619293.

Allele frequency attached by ClinVar (database versions not stated): gnomAD 0.00029 and 0.00033; ESP Exome Variant Server 0.00031; ExAC 0.00051; TOPMed 0.00051; gnomAD exomes 0.00059.
gnomAD v4.1: 702 of 1,613,704 alleles (0.044%); highest among the groups gnomAD compares: Middle Eastern, 1.4%; 7 homozygotes.

Submissions (9):

CeGaT Center for Human Genetics Tuebingen
Classification: Likely benign. Last evaluated: 2026-05-01. Review status: criteria provided, single submitter. Criteria: CeGaT Center For Human Genetics Tuebingen Variant Classification Criteria Version 2. Collection method: clinical testing. Allele origin: germline. Affected: yes. Observed: 6 variant alleles.
Comment: SMARCA2: BP4, BS1

Labcorp Genetics (formerly Invitae), Labcorp
Classification: Benign. Last evaluated: 2026-01-07. Review status: criteria provided, single submitter. Criteria: Invitae Variant Classification Sherloc (09022015). Collection method: clinical testing. Allele origin: germline.

ARUP Laboratories, Molecular Genetics and Genomics, ARUP Laboratories
Classification: Benign. Last evaluated: 2024-11-22. Review status: criteria provided, single submitter. Criteria: ARUP Molecular Germline Variant Investigation Process 2024. Collection method: clinical testing. Allele origin: germline.

Blueprint Genetics
Classification: Likely benign. Last evaluated: 2024-10-16. Review status: criteria provided, single submitter. Criteria: ACMG Guidelines, 2015. Collection method: clinical testing. Allele origin: germline.

Fulgent Genetics
Classification: Likely benign for Nicolaides-Baraitser syndrome; Blepharophimosis-impaired intellectual development syndrome. Last evaluated: 2021-09-29. Review status: criteria provided, single submitter. Criteria: ACMG Guidelines, 2015. Collection method: clinical testing. Allele origin: unknown.

GeneDx
Classification: Benign. Last evaluated: 2020-03-20. Review status: criteria provided, single submitter. Criteria: GeneDx Variant Classification Process June 2021. Collection method: clinical testing. Allele origin: germline. Affected: yes.

Centre for Mendelian Genomics, University Medical Centre Ljubljana
Classification: Benign for Nicolaides-Baraitser syndrome. Last evaluated: 2018-11-07. Review status: criteria provided, single submitter. Criteria: ACMG Guidelines, 2015. Collection method: clinical testing. Allele origin: unknown. Affected: yes.
Comment: This variant was classified as: Benign. The following ACMG criteria were applied in classifying this variant: BS1,BS2.

Illumina Laboratory Services, Illumina
Classification: Benign for Nicolaides-Baraitser syndrome. Last evaluated: 2018-01-13. Review status: criteria provided, single submitter. Criteria: ICSL Variant Classification Criteria 13 December 2019. Collection method: clinical testing. Allele origin: germline.
Comment: This variant was observed in the ICSL laboratory as part of a predisposition screen in an ostensibly healthy population. It had not been previously curated by ICSL or reported in the Human Gene Mutation Database (HGMD: prior to June 1st, 2018), and was therefore a candidate for classification through an automated scoring system. Utilizing variant allele frequency, disease prevalence and penetrance estimates, and inheritance mode, an automated score was calculated to assess if this variant is too frequent to cause the disease. Based on the score and internal cut-off values, a variant classified as benign is not then subjected to further curation. The score for this variant resulted in a classification of benign for this disease.

Breakthrough Genomics
Classification: Benign. Review status: criteria provided, single submitter. Criteria: ACMG Guidelines, 2015. Collection method: not provided. Allele origin: germline. Inheritance: Autosomal dominant inheritance. Affected: yes.

NM_003070.5(SMARCA2):c.4595-7G>C

Gene: SMARCA2 (SWI/SNF related BAF chromatin remodeling complex subunit ATPase 2; plus strand). Cytogenetic location: 9p24.3.
Variant type: single nucleotide variant.
Coding change: c.4595-7G>C on transcript NM_003070.5 (MANE Select); 7 bases into the intron before coding-DNA position 4595, G replaced by C.
Molecular consequence: intron variant.
Genome position (GRCh38, 1-based): chr9:2,191,259, G>C. VCF-style: chr9-2191259-G-C. GRCh37 (hg19) VCF-style: chr9-2191259-G-C.
Other names: c.4541-7G>C (NM_139045.4); c.4367-7G>C (NM_001289397.2); c.4595-7G>C (NM_001289396.2); c.569-7G>C (NM_001289398.2); c.659-7G>C (NM_001289400.2); c.653-7G>C (NM_001289399.2).
Identifiers: ClinVar variation 366320 (VCV000366320.43), dbSNP rs199897032, ClinGen allele CA4964263.
Genomic context (GRCh38, chr9:2,191,259, plus strand): 5'-TTACCACCTATACAAAGATCTCCTTGTGATTACTCACTGGTGTCTATTTCATTTGCTTTG[G>C]TTTTAGCAAAATCAGTCAAGGTGAAAATTAAGCTCAATAAAAAAGATGACAAAGGCCGGG-3'